The following is an entry in ClinVar:

NM_020987.5(ANK3):c.12901G>C (p.Ala4301Pro)

Gene: ANK3 (ankyrin 3; minus strand). Cytogenetic location: 10q21.2.
Variant type: single nucleotide variant.
Coding change: c.12901G>C on transcript NM_020987.5 (MANE Select); coding-DNA position 12901, G replaced by C.
Protein change: p.Ala4301Pro; replaces alanine 4301 with proline.
Molecular consequence: missense variant.
Genome position (GRCh38, 1-based): chr10:60,055,822, C>G on the plus strand (G>C on the coding strand, the complement: ANK3 is on the minus strand). VCF-style: chr10-60055822-C-G. GRCh37 (hg19) VCF-style: chr10-61815580-C-G.
Other names: c.2773G>C, p.Ala925Pro (NM_001149.4); c.5353G>C, p.Ala1785Pro (NM_001204403.2); c.5374G>C, p.Ala1792Pro (NM_001204404.2); c.5371G>C, p.Ala1791Pro (NM_001320874.2); short protein forms A1785P, A1791P, A1792P, A4301P, A925P.
Identifiers: ClinVar variation 5016993 (VCV005016993.1).

ClinVar aggregate classification (germline): Uncertain significance (1 of 4 stars; one submission).

Submission:

GeneDx
Classification: Uncertain significance. Last evaluated: 2026-03-20. Review status: criteria provided, single submitter. Criteria: GeneDx Variant Classification Process June 2021. Collection method: clinical testing. Allele origin: germline.
Comment: Not observed at significant frequency in large population cohorts (gnomAD); In silico analysis supports that this missense variant has a deleterious effect on protein structure/function; Has not been previously published as pathogenic or benign to our knowledge